The following is an entry in ClinVar:

NM_000222.3(KIT):c.199A>T (p.Thr67Ser)

Gene: KIT (KIT proto-oncogene, receptor tyrosine kinase; plus strand). Cytogenetic location: 4q12.
Variant type: single nucleotide variant.
Coding change: c.199A>T on transcript NM_000222.3 (MANE Select); coding-DNA position 199, A replaced by T.
Protein change: p.Thr67Ser; replaces threonine 67 with serine.
Molecular consequence: missense variant.
Genome position (GRCh38, 1-based): chr4:54,695,643, A>T. VCF-style: chr4-54695643-A-T. GRCh37 (hg19) VCF-style: chr4-55561809-A-T.
Other names: c.199A>T, p.Thr67Ser (NM_001093772.2, NM_001385284.1, NM_001385285.1 and 4 more transcripts); short protein forms T67S.
Identifiers: ClinVar variation 2159404 (VCV002159404.6), dbSNP rs139441923, ClinGen allele CA2923186.

ClinVar aggregate classification (germline): Conflicting classifications of pathogenicity. Review status: criteria provided, conflicting classifications (1 of 4 stars). 3 submissions from 3 submitters: Uncertain significance (1); Likely benign (2). Last evaluated 2026-05-26.

Conditions:
Hereditary cancer-predisposing syndrome. Also called: Hereditary Cancer Syndrome; Hereditary neoplastic syndrome; Neoplastic Syndromes, Hereditary; Tumor predisposition. Identifiers: Orphanet 140162, MedGen C0027672, MeSH D009386, MONDO:0015356.
Gastrointestinal stromal tumor. Also called: Gastrointestinal stroma tumor; Gastrointestinal stromal tumor, somatic. Identifiers: Orphanet 44890, MedGen C0238198, MeSH D046152, MONDO:0011719, OMIM 606764, HP:0100723.

Allele frequency attached by ClinVar (database versions not stated): ExAC 0.00001; ESP Exome Variant Server 0.00008.
gnomAD v4.1: 3 of 1,614,102 alleles (0.00019%); highest among the groups gnomAD compares: African/African-American, 0.004%; no homozygotes.

Submissions (3):

Myriad Genetics, Inc.
Classification: Likely benign for Gastrointestinal stromal tumor. Last evaluated: 2026-05-26. Review status: criteria provided, single submitter. Criteria: Myriad Autosomal Dominant, Autosomal Recessive and X-Linked Classification Criteria (2023). Collection method: clinical testing. Allele origin: unknown.
Comment: This variant is considered likely benign. This variant has been observed at a population frequency that is significantly greater than expected given the associated disease prevalence and penetrance.

Ambry Genetics
Classification: Likely benign for Hereditary cancer-predisposing syndrome. Last evaluated: 2026-01-20. Review status: criteria provided, single submitter. Criteria: Ambry Variant Classification Scheme 2023. Collection method: clinical testing. Allele origin: germline.

Labcorp Genetics (formerly Invitae), Labcorp
Classification: Uncertain significance for Gastrointestinal stromal tumor. Last evaluated: 2025-11-16. Review status: criteria provided, single submitter. Criteria: Invitae Variant Classification Sherloc (09022015). Collection method: clinical testing. Allele origin: germline.
Comment: This sequence change replaces threonine, which is neutral and polar, with serine, which is neutral and polar, at codon 67 of the KIT protein (p.Thr67Ser). This variant is present in population databases (rs139441923, gnomAD 0.01%). This variant has not been reported in the literature in individuals affected with KIT-related conditions. ClinVar contains an entry for this variant (Variation ID: 2159404). An algorithm developed to predict the effect of missense changes on protein structure and function (PolyPhen-2) suggests that this variant is likely to be tolerated. In summary, the available evidence is currently insufficient to determine the role of this variant in disease. Therefore, it has been classified as a Variant of Uncertain Significance.